The following is an entry in ClinVar:

ClinVar aggregate classification (germline): Uncertain significance (1 of 4 stars; one submission).

Conditions:
Inborn genetic diseases. Identifiers: MedGen C0950123, MeSH D030342.

Allele frequency attached by ClinVar (database versions not stated): ExAC 0.00002.
gnomAD v4.1: 3 of 1,614,100 alleles (0.00019%); highest among the groups gnomAD compares: Non-Finnish European, 0.00025%; no homozygotes.

Submission:

Ambry Genetics
Classification: Uncertain significance for Inborn genetic diseases. Last evaluated: 2022-03-03. Review status: criteria provided, single submitter. Criteria: Ambry Variant Classification Scheme 2023. Collection method: clinical testing. Allele origin: germline.
Comment: The p.D137N variant (also known as c.409G>A), located in coding exon 5 of the BUB1B gene, results from a G to A substitution at nucleotide position 409. The aspartic acid at codon 137 is replaced by asparagine, an amino acid with highly similar properties. This amino acid position is conserved. In addition, this alteration is predicted to be tolerated by in silico analysis. Since supporting evidence is limited at this time, the clinical significance of this alteration remains unclear.

NM_001211.6(BUB1B):c.409G>A (p.Asp137Asn)

Gene: BUB1B (BUB1 mitotic checkpoint serine/threonine kinase B; plus strand). Cytogenetic location: 15q15.1.
Variant type: single nucleotide variant.
Coding change: c.409G>A on transcript NM_001211.6 (MANE Select); coding-DNA position 409, G replaced by A.
Protein change: p.Asp137Asn; replaces aspartic acid 137 with asparagine.
Molecular consequence: missense variant.
Genome position (GRCh38, 1-based): chr15:40,176,501, G>A. VCF-style: chr15-40176501-G-A. GRCh37 (hg19) VCF-style: chr15-40468702-G-A.
Other names: short protein forms D137N.
Identifiers: ClinVar variation 1737813 (VCV001737813.2), dbSNP rs745502240, ClinGen allele CA7475482.